The following is an entry in ClinVar:

ClinVar aggregate classification (germline): Uncertain significance (1 of 4 stars; one submission).

Conditions:
Inborn genetic diseases. Identifiers: MedGen C0950123, MeSH D030342.

gnomAD v4.1: 1 of 1,198,673 alleles (0.000083%); no homozygotes.

Submission:

Ambry Genetics
Classification: Uncertain significance for Inborn genetic diseases. Last evaluated: 2026-03-26. Review status: criteria provided, single submitter. Criteria: Ambry Variant Classification Scheme 2023. Collection method: clinical testing. Allele origin: germline.
Comment: The c.139A>C (p.K47Q) alteration is located in exon 5 (coding exon 3) of the STAG2 gene. This alteration results from a A to C substitution at nucleotide position 139, causing the lysine (K) at amino acid position 47 to be replaced by a glutamine (Q). Based on data from gnomAD, the C allele has an overall frequency of 0.001% (1/163318) total alleles studied. The highest observed frequency was <0.001% (/) of alleles. Based on insufficient or conflicting evidence, the clinical significance of this alteration remains unclear.

NM_001042750.2(STAG2):c.139A>C (p.Lys47Gln)

Gene: STAG2 (STAG2 cohesin complex component; plus strand). Cytogenetic location: Xq25.
Variant type: single nucleotide variant.
Coding change: c.139A>C on transcript NM_001042750.2 (MANE Select); coding-DNA position 139, A replaced by C.
Protein change: p.Lys47Gln; replaces lysine 47 with glutamine.
Molecular consequence: missense variant.
Genome position (GRCh38, 1-based): chrX:124,030,976, A>C. VCF-style: chrX-124030976-A-C. GRCh37 (hg19) VCF-style: chrX-123164826-A-C.
Other names: c.139A>C, p.Lys47Gln (NM_001375371.1, NM_001375372.1, NM_001375373.1 and 23 more transcripts); short protein forms K47Q.
Identifiers: ClinVar variation 4865179 (VCV004865179.1).